The following is an entry in ClinVar:

NM_000245.4(MET):c.1424C>G (p.Pro475Arg)

Gene: MET (MET proto-oncogene, receptor tyrosine kinase; plus strand). Cytogenetic location: 7q31.2.
Variant type: single nucleotide variant.
Coding change: c.1424C>G on transcript NM_000245.4 (MANE Select); coding-DNA position 1424, C replaced by G.
Protein change: p.Pro475Arg; replaces proline 475 with arginine.
Molecular consequence: missense variant.
Genome position (GRCh38, 1-based): chr7:116,739,981, C>G. VCF-style: chr7-116739981-C-G. GRCh37 (hg19) VCF-style: chr7-116380035-C-G.
Other names: c.1424C>G, p.Pro475Arg (NM_001127500.3, NM_001324401.3); c.134C>G, p.Pro45Arg (NM_001324402.2); short protein forms P45R, P475R.
Identifiers: ClinVar variation 3678009 (VCV003678009.3).

ClinVar aggregate classification (germline): Uncertain significance. Review status: criteria provided, multiple submitters, no conflicts (2 of 4 stars). 2 submissions from 2 submitters: Uncertain significance (2). Last evaluated 2025-10-23.

Conditions:
Renal cell carcinoma. Identifiers: Orphanet 217071, MedGen C0007134, MeSH D002292, MONDO:0005086, HP:0005584.
Hereditary cancer-predisposing syndrome. Also called: Neoplastic Syndromes, Hereditary; Tumor predisposition; Hereditary Cancer Syndrome; Hereditary neoplastic syndrome. Identifiers: Orphanet 140162, MedGen C0027672, MeSH D009386, MONDO:0015356.

Submissions (2):

Labcorp Genetics (formerly Invitae), Labcorp
Classification: Uncertain significance for Renal cell carcinoma. Last evaluated: 2025-10-23. Review status: criteria provided, single submitter. Criteria: Invitae Variant Classification Sherloc (09022015). Collection method: clinical testing. Allele origin: germline.
Comment: This sequence change replaces proline, which is neutral and non-polar, with arginine, which is basic and polar, at codon 475 of the MET protein (p.Pro475Arg). This variant is not present in population databases (gnomAD no frequency). This variant has not been reported in the literature in individuals affected with MET-related conditions. ClinVar contains an entry for this variant (Variation ID: 3678009). An algorithm developed to predict the effect of missense changes on protein structure and function (PolyPhen-2) suggests that this variant is likely to be disruptive. In summary, the available evidence is currently insufficient to determine the role of this variant in disease. Therefore, it has been classified as a Variant of Uncertain Significance.

Ambry Genetics
Classification: Uncertain significance for Hereditary cancer-predisposing syndrome. Last evaluated: 2025-02-14. Review status: criteria provided, single submitter. Criteria: Ambry Variant Classification Scheme 2023. Collection method: clinical testing. Allele origin: germline.
Comment: The p.P475R variant (also known as c.1424C>G), located in coding exon 3 of the MET gene, results from a C to G substitution at nucleotide position 1424. The proline at codon 475 is replaced by arginine, an amino acid with dissimilar properties. This amino acid position is conserved. In addition, the in silico prediction for this alteration is inconclusive. Based on the available evidence, the clinical significance of this variant remains unclear.